The following is an entry in ClinVar:

NM_014845.6(FIG4):c.876+2T>G

Gene: FIG4 (FIG4 phosphoinositide 5-phosphatase; plus strand). Cytogenetic location: 6q21.
Variant type: single nucleotide variant.
Coding change: c.876+2T>G on transcript NM_014845.6 (MANE Select); the canonical splice donor site of the intron after coding-DNA position 876, T replaced by G.
Molecular consequence: splice donor variant.
Genome position (GRCh38, 1-based): chr6:109,741,546, T>G. VCF-style: chr6-109741546-T-G. GRCh37 (hg19) VCF-style: chr6-110062749-T-G.
Identifiers: ClinVar variation 1068289 (VCV001068289.7), dbSNP rs2128386656, ClinGen allele CA365221488.

ClinVar aggregate classification (germline): Likely pathogenic (1 of 4 stars; one submission).

Conditions:
Charcot-Marie-Tooth disease type 4. Also called: Charcot-Marie-Tooth disease, type IV; Charcot-Marie-Tooth, Type 4. Identifiers: Orphanet 64749, MedGen C4082197, MONDO:0018995.

Allele frequency attached by ClinVar (database versions not stated): gnomAD exomes below 0.00001.
gnomAD v4.1: 1 of 1,570,152 alleles (0.000064%); highest among the groups gnomAD compares: Non-Finnish European, 0.000088%; no homozygotes.

Submission:

Labcorp Genetics (formerly Invitae), Labcorp
Classification: Likely pathogenic for Charcot-Marie-Tooth disease type 4. Last evaluated: 2020-03-02. Review status: criteria provided, single submitter. Criteria: Invitae Variant Classification Sherloc (09022015). Collection method: clinical testing. Allele origin: germline.
Comment: In summary, the currently available evidence indicates that the variant is pathogenic, but additional data are needed to prove that conclusively. Therefore, this variant has been classified as Likely Pathogenic. Donor and acceptor splice site variants typically lead to a loss of protein function (PMID: 16199547), and loss-of-function variants in FIG4 are known to be pathogenic (PMID: 23623387). Algorithms developed to predict the effect of sequence changes on RNA splicing suggest that this variant may disrupt the consensus splice site, but this prediction has not been confirmed by published transcriptional studies. This variant has not been reported in the literature in individuals with FIG4-related conditions. This variant is not present in population databases (ExAC no frequency). This sequence change affects a donor splice site in intron 8 of the FIG4 gene. It is expected to disrupt RNA splicing and likely results in an absent or disrupted protein product.

Literature cited by the submitters: PubMed 16199547; PubMed 23623387.